The following is an entry in ClinVar:

NM_000815.5(GABRD):c.638A>G (p.Gln213Arg)

Gene: GABRD (gamma-aminobutyric acid type A receptor subunit delta; plus strand). Cytogenetic location: 1p36.33.
Variant type: single nucleotide variant.
Coding change: c.638A>G on transcript NM_000815.5 (MANE Select); coding-DNA position 638, A replaced by G.
Protein change: p.Gln213Arg; replaces glutamine 213 with arginine.
Molecular consequence: missense variant.
Genome position (GRCh38, 1-based): chr1:2,028,239, A>G. VCF-style: chr1-2028239-A-G. GRCh37 (hg19) VCF-style: chr1-1959678-A-G.
Other names: short protein forms Q213R.
Identifiers: ClinVar variation 569949 (VCV000569949.8), dbSNP rs1557447332, ClinGen allele CA337958551.
Genomic context (GRCh38, chr1:2,028,239, plus strand): 5'-TCTACTACTGGTCGGAGAGCCAGGAGCACATCCACGGGCTGGACAAGCTGCAGCTGGCGC[A>G]GTTCACCATCACCAGCTACCGCTTCACCACGGAGCTGATGAACTTCAAGTCCGGTAACAT-3'
Protein context (NP_000806.2, residues 203-223): IHGLDKLQLA[Gln213Arg]FTITSYRFTT

ClinVar aggregate classification (germline): Uncertain significance (1 of 4 stars; one submission).

Conditions:
Idiopathic generalized epilepsy. Also called: Generalised epilepsy; EIG. Identifiers: MedGen C0270850, MONDO:0005579, OMIM 600669.

Allele frequency attached by ClinVar (database versions not stated): gnomAD exomes below 0.00001.
gnomAD v4.1: 1 of 1,612,404 alleles (0.000062%); highest among the groups gnomAD compares: Non-Finnish European, 0.000085%; no homozygotes.

Submission:

Labcorp Genetics (formerly Invitae), Labcorp
Classification: Uncertain significance for Idiopathic generalized epilepsy. Last evaluated: 2018-03-17. Review status: criteria provided, single submitter. Criteria: Invitae Variant Classification Sherloc (09022015). Collection method: clinical testing. Allele origin: germline.
Comment: In summary, the available evidence is currently insufficient to determine the role of this variant in disease. Therefore, it has been classified as a Variant of Uncertain Significance. Algorithms developed to predict the effect of missense changes on protein structure and function (SIFT, PolyPhen-2, Align-GVGD) all suggest that this variant is likely to be disruptive, but these predictions have not been confirmed by published functional studies and their clinical significance is uncertain. This variant has not been reported in the literature in individuals with GABRD-related disease. This variant is not present in population databases (ExAC no frequency). This sequence change replaces glutamine with arginine at codon 213 of the GABRD protein (p.Gln213Arg). The glutamine residue is highly conserved and there is a small physicochemical difference between glutamine and arginine.